The following is an entry in ClinVar:

NM_000465.4(BARD1):c.216-8T>C

Gene: BARD1 (BRCA1 associated RING domain 1; minus strand). Cytogenetic location: 2q35.
Variant type: single nucleotide variant.
Coding change: c.216-8T>C on transcript NM_000465.4 (MANE Select); 8 bases into the intron before coding-DNA position 216, T replaced by C.
Molecular consequence: intron variant.
Genome position (GRCh38, 1-based): chr2:214,792,453, A>G on the plus strand (T>C on the coding strand, the complement: BARD1 is on the minus strand). VCF-style: chr2-214792453-A-G. GRCh37 (hg19) VCF-style: chr2-215657177-A-G.
Other names: c.216-8T>C (LRG_297t1, NM_001282549.2); c.158+16959T>C (NM_001282548.2); c.159-8T>C (NM_001282543.2); c.215+4608T>C (NM_001282545.2).
Identifiers: ClinVar variation 421454 (VCV000421454.13), dbSNP rs1064795148, ClinGen allele CA16617456.

ClinVar aggregate classification (germline): Conflicting classifications of pathogenicity. Review status: criteria provided, conflicting classifications (1 of 4 stars). 4 submissions from 4 submitters: Uncertain significance (1); Likely benign (3). Last evaluated 2025-02-12.

Conditions:
Hereditary cancer-predisposing syndrome. Also called: Hereditary neoplastic syndrome; Tumor predisposition; Neoplastic Syndromes, Hereditary; Hereditary Cancer Syndrome. Identifiers: Orphanet 140162, MedGen C0027672, MeSH D009386, MONDO:0015356.
Familial cancer of breast. Also called: Hereditary breast cancer; BREAST CANCER, FAMILIAL; hereditary breast carcinoma. Identifiers: Orphanet 227535, MedGen C0346153, MONDO:0016419, OMIM 114480. Disease mechanism: loss of function.

Allele frequency attached by ClinVar (database versions not stated): gnomAD exomes below 0.00001.
gnomAD v4.1: 1 of 1,543,132 alleles (0.000065%); highest among the groups gnomAD compares: Non-Finnish European, 0.000087%; no homozygotes.

Submissions (4):

Labcorp Genetics (formerly Invitae), Labcorp
Classification: Likely benign for Familial cancer of breast. Last evaluated: 2025-02-12. Review status: criteria provided, single submitter. Criteria: Invitae Variant Classification Sherloc (09022015). Collection method: clinical testing. Allele origin: germline.

Myriad Genetics, Inc.
Classification: Likely benign for Familial cancer of breast. Last evaluated: 2024-07-19. Review status: criteria provided, single submitter. Criteria: Myriad Autosomal Dominant, Autosomal Recessive and X-Linked Classification Criteria (2023). Collection method: clinical testing. Allele origin: unknown.
Comment: This variant is considered likely benign. This variant is intronic and is not expected to impact mRNA splicing.

Color Diagnostics, LLC DBA Color Health
Classification: Likely benign for Hereditary cancer-predisposing syndrome. Last evaluated: 2021-09-20. Review status: criteria provided, single submitter. Criteria: ACMG Guidelines, 2015. Collection method: clinical testing. Allele origin: germline.

GeneDx
Classification: Uncertain significance. Last evaluated: 2016-06-16. Review status: criteria provided, single submitter. Criteria: GeneDx Variant Classification (06012015). Collection method: clinical testing. Allele origin: germline. Affected: yes.
Comment: This variant is denoted BARD1 c.216-8T>C or IVS2-8T>C and consists of a T>C nucleotide substitution at the -8 position of intron 2 of the BARD1 gene. This variant has not, to our knowledge, been published in the literature as pathogenic or benign. BARD1 c.216-8T>C was not observed in approximately 6,500 individuals of European and African American ancestry in the NHLBI Exome Sequencing Project, suggesting it is not a common benign variant in these populations. The thymine (T) nucleotide that is altered is not conserved across species. In silico splicing models are uninformative. Therefore, based on currently available information, it is unclear whether BARD1 c.216-8T>C is pathogenic or benign. We consider it to be a variant of uncertain significance.